The following is an entry in ClinVar:

NM_018475.5(TMEM165):c.811G>T (p.Val271Leu)

Gene: TMEM165 (transmembrane protein 165; plus strand). Cytogenetic location: 4q12.
Variant type: single nucleotide variant.
Coding change: c.811G>T on transcript NM_018475.5 (MANE Select); coding-DNA position 811, G replaced by T.
Protein change: p.Val271Leu; replaces valine 271 with leucine.
Molecular consequence: missense variant. On other transcripts: non-coding transcript variant (1).
Genome position (GRCh38, 1-based): chr4:55,424,556, G>T. VCF-style: chr4-55424556-G-T. GRCh37 (hg19) VCF-style: chr4-56290723-G-T.
Other names: short protein forms V271L.
Identifiers: ClinVar variation 967588 (VCV000967588.5), dbSNP rs764212150, ClinGen allele CA356905081.

ClinVar aggregate classification (germline): Uncertain significance (1 of 4 stars; one submission).

Conditions:
TMEM165-congenital disorder of glycosylation. Also called: TMEM165-CDG; Congenital disorder of glycosylation type 2k; CDG IIk. Identifiers: Orphanet 314667, MedGen C3553571, MONDO:0013870, OMIM 614727.

gnomAD v4.1: 1 of 1,613,022 alleles (0.000062%); no homozygotes.

Submission:

Labcorp Genetics (formerly Invitae), Labcorp
Classification: Uncertain significance for TMEM165-congenital disorder of glycosylation. Last evaluated: 2022-08-15. Review status: criteria provided, single submitter. Criteria: Invitae Variant Classification Sherloc (09022015). Collection method: clinical testing. Allele origin: germline.
Comment: This sequence change replaces valine, which is neutral and non-polar, with leucine, which is neutral and non-polar, at codon 271 of the TMEM165 protein (p.Val271Leu). This variant is not present in population databases (gnomAD no frequency). This variant has not been reported in the literature in individuals affected with TMEM165-related conditions. ClinVar contains an entry for this variant (Variation ID: 967588). Algorithms developed to predict the effect of missense changes on protein structure and function (SIFT, PolyPhen-2, Align-GVGD) all suggest that this variant is likely to be tolerated. In summary, the available evidence is currently insufficient to determine the role of this variant in disease. Therefore, it has been classified as a Variant of Uncertain Significance.